The following is an entry in ClinVar:

NM_003000.3(SDHB):c.421C>G (p.Pro141Ala)

Gene: SDHB (succinate dehydrogenase complex iron sulfur subunit B; minus strand). Cytogenetic location: 1p36.13.
Variant type: single nucleotide variant.
Coding change: c.421C>G on transcript NM_003000.3 (MANE Select); coding-DNA position 421, C replaced by G.
Protein change: p.Pro141Ala; replaces proline 141 with alanine.
Molecular consequence: missense variant. On other transcripts: intron variant (1).
Genome position (GRCh38, 1-based): chr1:17,028,602, G>C on the plus strand (C>G on the coding strand, the complement: SDHB is on the minus strand). VCF-style: chr1-17028602-G-C. GRCh37 (hg19) VCF-style: chr1-17355097-G-C.
Other names: c.369+52C>G (NM_001407361.1); short protein forms P141A.
Identifiers: ClinVar variation 3759233 (VCV003759233.2).

ClinVar aggregate classification (germline): Uncertain significance (1 of 4 stars; one submission).

Conditions:
Pheochromocytoma. Also called: MAX-Related Hereditary Paraganglioma-Pheochromocytoma Syndrome. Identifiers: Orphanet 29072, MedGen C0031511, MONDO:0008233, OMIM 171300, HP:0002666.
Pheochromocytoma/paraganglioma syndrome 4. Also called: CAROTID BODY TUMORS AND MULTIPLE EXTRAADRENAL PHEOCHROMOCYTOMAS; PARAGANGLIOMA, FAMILIAL MALIGNANT; PARAGANGLIOMAS, HEREDITARY EXTRAADRENAL; PHEOCHROMOCYTOMA, FAMILIAL EXTRAADRENAL; Paragangliomas 4; SDHB-Related Hereditary Paraganglioma-Pheochromocytoma Syndrome (Paragangliomas 4). Identifiers: Orphanet 29072, MedGen C1861848, MONDO:0007273, OMIM 115310.
Gastrointestinal stromal tumor. Also called: Gastrointestinal stromal tumor, somatic; Gastrointestinal stroma tumor. Identifiers: Orphanet 44890, MedGen C0238198, MeSH D046152, MONDO:0011719, OMIM 606764, HP:0100723.

Submission:

Labcorp Genetics (formerly Invitae), Labcorp
Classification: Uncertain significance for Gastrointestinal stromal tumor; Pheochromocytoma/paraganglioma syndrome 4; Pheochromocytoma. Last evaluated: 2024-09-24. Review status: criteria provided, single submitter. Criteria: Invitae Variant Classification Sherloc (09022015). Collection method: clinical testing. Allele origin: germline.
Comment: This sequence change replaces proline, which is neutral and non-polar, with alanine, which is neutral and non-polar, at codon 141 of the SDHB protein (p.Pro141Ala). This variant is not present in population databases (gnomAD no frequency). This variant has not been reported in the literature in individuals affected with SDHB-related conditions. An algorithm developed to predict the effect of missense changes on protein structure and function (PolyPhen-2) suggests that this variant is likely to be disruptive. In summary, the available evidence is currently insufficient to determine the role of this variant in disease. Therefore, it has been classified as a Variant of Uncertain Significance.